The following is an entry in ClinVar:

NM_003848.4(SUCLG2):c.17C>T (p.Ala6Val)

Gene: SUCLG2 (succinate-CoA ligase GDP-forming subunit beta; minus strand). Cytogenetic location: 3p14.1.
Variant type: single nucleotide variant.
Coding change: c.17C>T on transcript NM_003848.4 (MANE Select); coding-DNA position 17, C replaced by T.
Protein change: p.Ala6Val; replaces alanine 6 with valine.
Molecular consequence: missense variant.
Genome position (GRCh38, 1-based): chr3:67,654,570, G>A on the plus strand (C>T on the coding strand, the complement: SUCLG2 is on the minus strand). VCF-style: chr3-67654570-G-A. GRCh37 (hg19) VCF-style: chr3-67704994-G-A.
Other names: c.17C>T, p.Ala6Val (NM_001177599.2); short protein forms A6V.
Identifiers: ClinVar variation 4750147 (VCV004750147.1).

ClinVar aggregate classification (germline): Uncertain significance (1 of 4 stars; one submission).

gnomAD v4.1: 26 of 1,274,212 alleles (0.002%); highest among the groups gnomAD compares: East Asian, 0.0059%; no homozygotes.

Submission:

Labcorp Genetics (formerly Invitae), Labcorp
Classification: Uncertain significance. Last evaluated: 2025-08-15. Review status: criteria provided, single submitter. Criteria: Invitae Variant Classification Sherloc (09022015). Collection method: clinical testing. Allele origin: germline.
Comment: This sequence change replaces alanine, which is neutral and non-polar, with valine, which is neutral and non-polar, at codon 6 of the SUCLG2 protein (p.Ala6Val). The frequency data for this variant in the population databases is considered unreliable, as metrics indicate poor data quality at this position in the gnomAD database. This variant has not been reported in the literature in individuals affected with SUCLG2-related conditions. An algorithm developed to predict the effect of missense changes on protein structure and function outputs the following: PolyPhen-2: "Possibly Damaging". The valine amino acid residue is found in multiple mammalian species, which suggests that this missense change does not adversely affect protein function. In summary, the available evidence is currently insufficient to determine the role of this variant in disease. Therefore, it has been classified as a Variant of Uncertain Significance.